The following is an entry in ClinVar:

NM_004621.6(TRPC6):c.2415_2418del (p.Asn805fs)

Gene: TRPC6 (transient receptor potential cation channel subfamily C member 6; minus strand). Cytogenetic location: 11q22.1.
Variant type: Deletion.
Coding change: c.2415_2418del on transcript NM_004621.6 (MANE Select); coding-DNA positions 2415 to 2418, 4 bases deleted (TGAA; older notation c.2415_2418delTGAA).
Protein change: p.Asn805fs; shifts the reading frame from asparagine 805.
Molecular consequence: frameshift variant.
Genome position (GRCh38, 1-based): chr11:101,469,493-101,469,496, TTCA deleted on the plus strand (TGAA on the coding strand, the reverse complement: TRPC6 is on the minus strand); deleting any 4 consecutive bases within chr11:101,469,493-101,469,498 gives the same sequence; the c. name uses the placement nearest the transcript's 3' end. VCF-style (leftmost placement, unchanged base first): chr11-101469492-CTTCA-C. GRCh37 (hg19) VCF-style: chr11-101340223-CTTCA-C.
Other names: short protein forms N805fs.
Identifiers: ClinVar variation 2572471 (VCV002572471.1), dbSNP rs2497323385, ClinGen allele CA2580616409.

ClinVar aggregate classification (germline): Likely pathogenic (1 of 4 stars; one submission).

Conditions:
Focal segmental glomerulosclerosis 2 (FSGS2). Identifiers: Orphanet 656, MedGen C1858915, MONDO:0011390, OMIM 603965.

Submission:

3billion
Classification: Likely pathogenic for Focal segmental glomerulosclerosis 2. Review status: criteria provided, single submitter. Criteria: ACMG Guidelines, 2015. Collection method: clinical testing. Allele origin: unknown. Affected: yes. Observed: 1 heterozygote.
Comment: The variant is not observed in the gnomAD v2.1.1 dataset. The variant is predicted to result in a loss or disruption of normal protein function through nonsense-mediated decay (NMD) or protein truncation. Multiple pathogenic variants are reported downstream of the variant. Therefore, this variant is classified as Likely pathogenic according to the recommendation of ACMG/AMP guideline.